The following is an entry in ClinVar:

ClinVar aggregate classification (germline): Uncertain significance. Review status: criteria provided, multiple submitters, no conflicts (2 of 4 stars). 2 submissions from 2 submitters: Uncertain significance (2). Last evaluated 2023-01-31.

Allele frequency attached by ClinVar (database versions not stated): TOPMed below 0.00001.

Submissions (2):

Labcorp Genetics (formerly Invitae), Labcorp
Classification: Uncertain significance. Last evaluated: 2023-01-31. Review status: criteria provided, single submitter. Criteria: Invitae Variant Classification Sherloc (09022015). Collection method: clinical testing. Allele origin: germline.
Comment: In summary, the available evidence is currently insufficient to determine the role of this variant in disease. Therefore, it has been classified as a Variant of Uncertain Significance. Advanced modeling of protein sequence and biophysical properties (such as structural, functional, and spatial information, amino acid conservation, physicochemical variation, residue mobility, and thermodynamic stability) performed at Invitae indicates that this missense variant is expected to disrupt DCHS1 protein function. This sequence change replaces histidine, which is basic and polar, with tyrosine, which is neutral and polar, at codon 1595 of the DCHS1 protein (p.His1595Tyr). This variant is not present in population databases (gnomAD no frequency). This variant has not been reported in the literature in individuals affected with DCHS1-related conditions.

Blueprint Genetics
Classification: Uncertain significance. Last evaluated: 2021-09-30. Review status: criteria provided, single submitter. Criteria: ACMG Guidelines, 2015. Collection method: clinical testing. Allele origin: germline.

NM_003737.4(DCHS1):c.4783C>T (p.His1595Tyr)

Gene: DCHS1 (dachsous cadherin-related 1; minus strand). Cytogenetic location: 11p15.4.
Variant type: single nucleotide variant.
Coding change: c.4783C>T on transcript NM_003737.4 (MANE Select); coding-DNA position 4783, C replaced by T.
Protein change: p.His1595Tyr; replaces histidine 1595 with tyrosine.
Molecular consequence: missense variant.
Genome position (GRCh38, 1-based): chr11:6,630,011, G>A on the plus strand (C>T on the coding strand, the complement: DCHS1 is on the minus strand). VCF-style: chr11-6630011-G-A. GRCh37 (hg19) VCF-style: chr11-6651242-G-A.
Other names: short protein forms H1595Y.
Identifiers: ClinVar variation 2052706 (VCV002052706.5), dbSNP rs1855873830, ClinGen allele CA379399651.